The following is an entry in ClinVar:

NM_015631.6(TCTN3):c.769C>A (p.Arg257Ser)

Gene: TCTN3 (tectonic family member 3; minus strand). Cytogenetic location: 10q24.1.
Variant type: single nucleotide variant.
Coding change: c.769C>A on transcript NM_015631.6 (MANE Select); coding-DNA position 769, C replaced by A.
Protein change: p.Arg257Ser; replaces arginine 257 with serine.
Molecular consequence: missense variant.
Genome position (GRCh38, 1-based): chr10:95,687,127, G>T on the plus strand (C>A on the coding strand, the complement: TCTN3 is on the minus strand). VCF-style: chr10-95687127-G-T. GRCh37 (hg19) VCF-style: chr10-97446884-G-T.
Other names: c.532C>A, p.Arg178Ser (NM_001143973.2); short protein forms R178S, R257S.
Identifiers: ClinVar variation 1404037 (VCV001404037.8), dbSNP rs780304630, ClinGen allele CA377707376.

ClinVar aggregate classification (germline): Uncertain significance (1 of 4 stars; one submission).

Conditions:
Joubert syndrome 18 (JBTS18). Identifiers: Orphanet 2754, MedGen C3553758, MONDO:0013896, OMIM 614815.
Orofacial-digital syndrome IV (OFD4). Also called: BARAITSER-BURN SYNDROME; MOHR-MAJEWSKI SYNDROME; OFD SYNDROME WITH TIBIAL DEFECTS; OFD SYNDROME, BARAITSER-BURN TYPE; OFDS IV; ORAL-FACIAL-DIGITAL SYNDROME, TYPE IV. Identifiers: Orphanet 2753, MedGen C0406727, MONDO:0009794, OMIM 258860.

Submission:

Labcorp Genetics (formerly Invitae), Labcorp
Classification: Uncertain significance for Joubert syndrome 18; Orofacial-digital syndrome IV. Last evaluated: 2022-08-31. Review status: criteria provided, single submitter. Criteria: Invitae Variant Classification Sherloc (09022015). Collection method: clinical testing. Allele origin: germline.
Comment: This sequence change replaces arginine, which is basic and polar, with serine, which is neutral and polar, at codon 257 of the TCTN3 protein (p.Arg257Ser). Algorithms developed to predict the effect of missense changes on protein structure and function are either unavailable or do not agree on the potential impact of this missense change (SIFT: "Deleterious"; PolyPhen-2: "Probably Damaging"; Align-GVGD: "Class C15"). In summary, the available evidence is currently insufficient to determine the role of this variant in disease. Therefore, it has been classified as a Variant of Uncertain Significance. ClinVar contains an entry for this variant (Variation ID: 1404037). This variant has not been reported in the literature in individuals affected with TCTN3-related conditions. This variant is not present in population databases (gnomAD no frequency).